The following is an entry in ClinVar:

NM_001384910.1(GUCA1A):c.598G>A (p.Ala200Thr)

Genes: GUCA1A (guanylate cyclase activator 1A; plus strand), GUCA1ANB-GUCA1A (GUCA1ANB-GUCA1A readthrough; plus strand). Cytogenetic location: 6p21.1.
Variant type: single nucleotide variant.
Coding change: c.598G>A on transcript NM_001384910.1 (MANE Select); coding-DNA position 598, G replaced by A.
Protein change: p.Ala200Thr; replaces alanine 200 with threonine.
Molecular consequence: missense variant.
Genome position (GRCh38, 1-based): chr6:42,179,395, G>A. VCF-style: chr6-42179395-G-A. GRCh37 (hg19) VCF-style: chr6-42147133-G-A.
Other names: c.598G>A, p.Ala200Thr (NM_000409.5, NM_001319061.2, NM_001319062.2); short protein forms A200T.
Identifiers: ClinVar variation 3000775 (VCV003000775.3), dbSNP rs1400532214, ClinGen allele CA364110962.

ClinVar aggregate classification (germline): Uncertain significance (1 of 4 stars; one submission).

Allele frequency attached by ClinVar (database versions not stated): gnomAD exomes 0.00001.
gnomAD v4.1: 15 of 1,595,708 alleles (0.00094%); highest among the groups gnomAD compares: Non-Finnish European, 0.0012%; no homozygotes.

Submission:

Labcorp Genetics (formerly Invitae), Labcorp
Classification: Uncertain significance. Last evaluated: 2024-06-20. Review status: criteria provided, single submitter. Criteria: Invitae Variant Classification Sherloc (09022015). Collection method: clinical testing. Allele origin: germline.
Comment: This sequence change replaces alanine, which is neutral and non-polar, with threonine, which is neutral and polar, at codon 200 of the GUCA1A protein (p.Ala200Thr). The frequency data for this variant in the population databases is considered unreliable, as metrics indicate poor data quality at this position in the gnomAD database. This variant has not been reported in the literature in individuals affected with GUCA1A-related conditions. Algorithms developed to predict the effect of missense changes on protein structure and function output the following: SIFT: "Not Available"; PolyPhen-2: "Not Available"; Align-GVGD: "Not Available". The threonine amino acid residue is found in multiple mammalian species, which suggests that this missense change does not adversely affect protein function. In summary, the available evidence is currently insufficient to determine the role of this variant in disease. Therefore, it has been classified as a Variant of Uncertain Significance.